The following is an entry in ClinVar:

NM_001042492.3(NF1):c.6976G>A (p.Asp2326Asn)

Gene: NF1 (neurofibromin 1; plus strand). Cytogenetic location: 17q11.2.
Variant type: single nucleotide variant.
Coding change: c.6976G>A on transcript NM_001042492.3 (MANE Select); coding-DNA position 6976, G replaced by A.
Protein change: p.Asp2326Asn; replaces aspartic acid 2326 with asparagine.
Molecular consequence: missense variant.
Genome position (GRCh38, 1-based): chr17:31,340,559, G>A. VCF-style: chr17-31340559-G-A. GRCh37 (hg19) VCF-style: chr17-29667577-G-A.
Other names: c.6913G>A, p.Asp2305Asn (NM_000267.4); short protein forms D2305N, D2326N.
Identifiers: ClinVar variation 956591 (VCV000956591.6), dbSNP rs1374858930, ClinGen allele CA399014952.

ClinVar aggregate classification (germline): Uncertain significance (1 of 4 stars; one submission).

Conditions:
Neurofibromatosis, type 1 (NF1). Also called: Peripheral type neurofibromatosis; VON RECKLINGHAUSEN DISEASE; NEUROFIBROMATOSIS, TYPE I, SOMATIC; Neurofibromatosis, type I. Identifiers: Orphanet 636, MedGen C0027831, MONDO:0018975, OMIM 162200. Disease mechanism: loss of function.

Submission:

Labcorp Genetics (formerly Invitae), Labcorp
Classification: Uncertain significance for Neurofibromatosis, type 1. Last evaluated: 2019-09-30. Review status: criteria provided, single submitter. Criteria: Invitae Variant Classification Sherloc (09022015). Collection method: clinical testing. Allele origin: germline.
Comment: Algorithms developed to predict the effect of missense changes on protein structure and function are either unavailable or do not agree on the potential impact of this missense change (SIFT: "Tolerated"; PolyPhen-2: "Probably Damaging"; Align-GVGD: "Class C0"). This variant has not been reported in the literature in individuals with NF1-related conditions. This variant is not present in population databases (ExAC no frequency). This sequence change replaces aspartic acid with asparagine at codon 2305 of the NF1 protein (p.Asp2305Asn). The aspartic acid residue is moderately conserved and there is a small physicochemical difference between aspartic acid and asparagine. In summary, the available evidence is currently insufficient to determine the role of this variant in disease. Therefore, it has been classified as a Variant of Uncertain Significance.